The following is an entry in ClinVar:

ClinVar aggregate classification (germline): Benign. Review status: criteria provided, multiple submitters, no conflicts (2 of 4 stars). 9 submissions from 7 submitters: Benign (7). 2 of the submissions do not count toward it. Last evaluated 2026-01-20.

Conditions:
ACAN-related disorder. Also called: ACAN-related condition; ACAN-related disorders.
Short stature and advanced bone age, with or without early-onset osteoarthritis and/or osteochondritis dissecans (SSOAOD). Identifiers: Orphanet 251262, MedGen C3665488, MONDO:0100462, OMIM 165800.
Spondyloepiphyseal dysplasia, Kimberley type. Identifiers: Orphanet 93283, MedGen C1842149, MONDO:0012019, OMIM 608361.
Spondyloepimetaphyseal dysplasia, aggrecan type. Also called: SEMD, AGGRECAN TYPE. Identifiers: Orphanet 171866, MedGen C2748544, MONDO:0013014, OMIM 612813.

Allele frequency attached by ClinVar (database versions not stated): ESP Exome Variant Server 0.00008; gnomAD 0.00024 and 0.00216; TOPMed 0.00056; gnomAD exomes 0.00742; ExAC 0.00826; 1000 Genomes Project 30x 0.01562; 1000 Genomes Project 0.01597.
gnomAD v4.1: 5,666 of 1,613,892 alleles (0.35%); highest among the groups gnomAD compares: South Asian, 5.7%; 202 homozygotes.

Submissions (9):

Labcorp Genetics (formerly Invitae), Labcorp
Classification: Benign. Last evaluated: 2026-01-20. Review status: criteria provided, single submitter. Criteria: Invitae Variant Classification Sherloc (09022015). Collection method: clinical testing. Allele origin: germline.

PreventionGenetics, part of Exact Sciences
Classification: Benign for ACAN-related condition. Last evaluated: 2025-03-11. Review status: criteria provided, single submitter. Criteria: ACMG Guidelines, 2015. Collection method: clinical testing. Allele origin: germline.
Comment: This variant is classified as benign based on ACMG/AMP sequence variant interpretation guidelines (Richards et al. 2015 PMID: 25741868, with internal and published modifications).

Genome-Nilou Lab
Classification: Benign for Short stature and advanced bone age, with or without early-onset osteoarthritis and/or osteochondritis dissecans. Last evaluated: 2021-12-05. Review status: criteria provided, single submitter. Criteria: ACMG Guidelines, 2015. Collection method: clinical testing. Allele origin: germline. Affected: no.

Genome-Nilou Lab
Classification: Benign for Spondyloepimetaphyseal dysplasia, aggrecan type. Last evaluated: 2021-12-05. Review status: criteria provided, single submitter. Criteria: ACMG Guidelines, 2015. Collection method: clinical testing. Allele origin: germline. Affected: no.

Genome-Nilou Lab
Classification: Benign for Spondyloepiphyseal dysplasia, Kimberley type. Last evaluated: 2021-12-05. Review status: criteria provided, single submitter. Criteria: ACMG Guidelines, 2015. Collection method: clinical testing. Allele origin: germline. Affected: no.

GeneDx
Classification: Benign. Last evaluated: 2018-07-14. Review status: criteria provided, single submitter. Criteria: GeneDx Variant Classification Process June 2021. Collection method: clinical testing. Allele origin: germline. Affected: yes.

Breakthrough Genomics
Classification: Benign. Review status: criteria provided, single submitter. Criteria: ACMG Guidelines, 2015. Collection method: not provided. Allele origin: germline. Inheritance: Autosomal recessive inheritance. Affected: yes.

Joint Genome Diagnostic Labs from Nijmegen and Maastricht, Radboudumc and MUMC+
Classification: Benign. Review status: no assertion criteria provided. Collection method: clinical testing. Allele origin: germline. Affected: yes. Study: VKGL Data-share Consensus. Not counted in ClinVar's aggregate classification.

Laboratory of Diagnostic Genome Analysis, Leiden University Medical Center (LUMC)
Classification: Likely benign. Review status: no assertion criteria provided. Collection method: clinical testing. Allele origin: germline. Affected: yes. Study: VKGL Data-share Consensus. Not counted in ClinVar's aggregate classification.

NM_001369268.1(ACAN):c.204A>C (p.Pro68=)

Gene: ACAN (aggrecan; plus strand). Cytogenetic location: 15q26.1.
Variant type: single nucleotide variant.
Coding change: c.204A>C on transcript NM_001369268.1 (MANE Select); coding-DNA position 204, A replaced by C.
Protein change: p.Pro68=; no amino-acid change (proline 68 retained).
Molecular consequence: synonymous variant.
Genome position (GRCh38, 1-based): chr15:88,838,796, A>C. VCF-style: chr15-88838796-A-C. GRCh37 (hg19) VCF-style: chr15-89382027-A-C.
Other names: c.204A>C, p.Pro68= (NM_001135.4, NM_013227.4).
Identifiers: ClinVar variation 790874 (VCV000790874.18), dbSNP rs372041880, ClinGen allele CA7719170.